The following is an entry in ClinVar:

NM_144573.4(NEXN):c.558A>T (p.Lys186Asn)

Gene: NEXN (nexilin F-actin binding protein; plus strand). Cytogenetic location: 1p31.1.
Variant type: single nucleotide variant.
Coding change: c.558A>T on transcript NM_144573.4 (MANE Select); coding-DNA position 558, A replaced by T.
Protein change: p.Lys186Asn; replaces lysine 186 with asparagine.
Molecular consequence: missense variant.
Genome position (GRCh38, 1-based): chr1:77,926,482, A>T. VCF-style: chr1-77926482-A-T. GRCh37 (hg19) VCF-style: chr1-78392167-A-T.
Other names: c.366A>T, p.Lys122Asn (NM_001172309.2); short protein forms K186N, K122N.
Identifiers: ClinVar variation 3878960 (VCV003878960.1).

ClinVar aggregate classification (germline): Uncertain significance (1 of 4 stars; one submission).

Conditions:
Cardiovascular phenotype. Identifiers: MedGen CN230736.

Submission:

Ambry Genetics
Classification: Uncertain significance for Cardiovascular phenotype. Last evaluated: 2025-01-06. Review status: criteria provided, single submitter. Criteria: Ambry Variant Classification Scheme 2023. Collection method: clinical testing. Allele origin: germline.
Comment: The p.K186N variant (also known as c.558A>T), located in coding exon 6 of the NEXN gene, results from an A to T substitution at nucleotide position 558. The lysine at codon 186 is replaced by asparagine, an amino acid with similar properties. This amino acid position is conserved. In addition, this alteration is predicted to be tolerated by in silico analysis. Based on the available evidence, the clinical significance of this variant remains unclear.